The following is an entry in ClinVar:

NM_001987.5(ETV6):c.1102T>A (p.Phe368Ile)

Genes: ETV6 (ETS variant transcription factor 6; plus strand), LOC126861452 (CDK7 strongly-dependent group 2 enhancer GRCh37_chr12:12037195-12038394; plus strand). Cytogenetic location: 12p13.2.
Variant type: single nucleotide variant.
Coding change: c.1102T>A on transcript NM_001987.5 (MANE Select); coding-DNA position 1102, T replaced by A.
Protein change: p.Phe368Ile; replaces phenylalanine 368 with isoleucine.
Molecular consequence: missense variant. On other transcripts: intron variant (1).
Genome position (GRCh38, 1-based): chr12:11,884,537, T>A. VCF-style: chr12-11884537-T-A. GRCh37 (hg19) VCF-style: chr12-12037471-T-A.
Other names: c.1099T>A, p.Phe367Ile (NM_001413913.1); c.1075T>A, p.Phe359Ile (NM_001413914.1); c.838T>A, p.Phe280Ile (NM_001413915.1); c.1010-6404T>A (NM_001413917.1); short protein forms F280I, F359I, F367I, F368I.
Identifiers: ClinVar variation 3234698 (VCV003234698.20), dbSNP rs2136596089, ClinGen allele CA384044673.
Genomic context (GRCh38, chr12:11,884,537, plus strand): 5'-TTGCTTTCTGACAGCCGGTACGAAAACTTCATCCGATGGGAGGACAAAGAATCCAAAATA[T>A]TCCGGATAGTGGATCCCAACGGACTGGCTCGACTGTGGGGAAACCATAAGGTAAAAGGGC-3'
Protein context (NP_001978.1, residues 358-378): IRWEDKESKI[Phe368Ile]RIVDPNGLAR

ClinVar aggregate classification (germline): Likely pathogenic. Review status: criteria provided, single submitter (1 of 4 stars). 2 submissions from 2 submitters: Likely pathogenic (1). 1 of the submissions does not count toward it. Last evaluated 2024-04-01.

Conditions:
ETV6-related disorder. Also called: ETV6-related condition.

Submissions (2):

CeGaT Center for Human Genetics Tuebingen
Classification: Likely pathogenic. Last evaluated: 2024-04-01. Review status: criteria provided, single submitter. Criteria: CeGaT Center For Human Genetics Tuebingen Variant Classification Criteria Version 2. Collection method: clinical testing. Allele origin: germline. Affected: yes. Observed: 1 variant allele.
Comment: ETV6: PM1, PM2, PM5, PP2, PP3

PreventionGenetics, part of Exact Sciences
Classification: Uncertain significance for ETV6-related condition. Last evaluated: 2024-04-11. Review status: no assertion criteria provided. Collection method: clinical testing. Allele origin: germline. Not counted in ClinVar's aggregate classification.
Comment: The ETV6 c.1102T>A variant is predicted to result in the amino acid substitution p.Phe368Ile. To our knowledge, this variant has not been reported in the literature or in a large population database, indicating this variant is rare. Of note, other variants impacting the same amino acid (p.Phe368Cys, p.Phe368Leu) have been reported in patients with thrombocytopenia (Supplementary Table 3 in Gilad et al. 2022. PubMed ID: 35295078). Although we suspect that the c.1102T>A (p.Phe368Ile) variant may be pathogenic, at this time, the clinical significance of this variant is uncertain due to the absence of conclusive functional and genetic evidence.